The following is an entry in ClinVar:

NM_016529.6(ATP8A2):c.321+3_321+8del

Gene: ATP8A2 (ATPase phospholipid transporting 8A2). Cytogenetic location: 13q12.13.
Variant type: Deletion.
Coding change: c.321+3_321+8del on transcript NM_016529.6 (MANE Select); bases 3 to 8 of the intron after coding-DNA position 321, this stretch deleted.
Molecular consequence: splice donor variant.
Genome position: GRCh38 VCF-style: chr13-25530097-AGGTAAT-A. GRCh37 (hg19) VCF-style: chr13-26104235-AGGTAAT-A.
Other names: c.201+3_201+8del (NM_001313741.1); c.321+3_321+8delAATGGT (NM_016529.4).
Identifiers: ClinVar variation 421707 (VCV000421707.2), dbSNP rs1064795309, ClinGen allele CA16619623.

ClinVar aggregate classification (germline): Likely pathogenic (1 of 4 stars; one submission).

Submission:

GeneDx
Classification: Likely pathogenic. Last evaluated: 2016-12-27. Review status: criteria provided, single submitter. Criteria: GeneDx Variant Classification (06012015). Collection method: clinical testing. Allele origin: germline. Affected: yes.
Comment: The c.321+3_321+8delAATGGT variant in the ATP8A2 gene has not been reported previously as a pathogenic variant nor as a benign variant, to our knowledge. The c.321+3_321+8delAATGGT variant results in the deletion of six nucleotides in intron 3, which destroys the natural splice donor site in intron 3, and is expected to cause abnormal gene splicing. The c.321+3_321+8delAATGGT variant was not observed in approximately 5,900 individuals of European and African American ancestry in the NHLBI Exome Sequencing Project, indicating it is not a common benign variant in these populations. The c.321+3_321+8delAATGGT variant is a strong candidate for a pathogenic variant, however the possibility it may be a rare benign variant cannot be excluded.